The following is an entry in ClinVar:

NM_000179.3(MSH6):c.3149C>T (p.Ala1050Val)

Gene: MSH6 (mutS homolog 6; plus strand). Cytogenetic location: 2p16.3.
Variant type: single nucleotide variant.
Coding change: c.3149C>T on transcript NM_000179.3 (MANE Select); coding-DNA position 3149, C replaced by T.
Protein change: p.Ala1050Val; replaces alanine 1050 with valine.
Molecular consequence: missense variant.
Genome position (GRCh38, 1-based): chr2:47,801,132, C>T. VCF-style: chr2-47801132-C-T. GRCh37 (hg19) VCF-style: chr2-48028271-C-T.
Other names: c.2759C>T, p.Ala920Val (NM_001281492.2); c.2243C>T, p.Ala748Val (NM_001281493.2, NM_001281494.2); short protein forms A1050V, A748V, A920V.
Identifiers: ClinVar variation 455235 (VCV000455235.11), dbSNP rs1114167732, ClinGen allele CA346756709.

ClinVar aggregate classification (germline): Uncertain significance. Review status: criteria provided, multiple submitters, no conflicts (2 of 4 stars). 2 submissions from 2 submitters: Uncertain significance (2). Last evaluated 2020-08-06.

Conditions:
Hereditary nonpolyposis colorectal neoplasms. Identifiers: MedGen C0009405, MeSH D003123.
Hereditary cancer-predisposing syndrome. Also called: Hereditary Cancer Syndrome; Hereditary neoplastic syndrome; Neoplastic Syndromes, Hereditary; Tumor predisposition. Identifiers: Orphanet 140162, MedGen C0027672, MeSH D009386, MONDO:0015356.

Allele frequency attached by ClinVar (database versions not stated): gnomAD exomes below 0.00001.
gnomAD v4.1: 1 of 1,611,850 alleles (0.000062%); highest among the groups gnomAD compares: Non-Finnish European, 0.000085%; no homozygotes.

Submissions (2):

Labcorp Genetics (formerly Invitae), Labcorp
Classification: Uncertain significance for Hereditary nonpolyposis colorectal neoplasms. Last evaluated: 2020-08-06. Review status: criteria provided, single submitter. Criteria: Invitae Variant Classification Sherloc (09022015). Collection method: clinical testing. Allele origin: germline.
Comment: In summary, this variant has uncertain impact on MSH6 function. The available evidence is currently insufficient to determine its role in disease. Therefore, it has been classified as a Variant of Uncertain Significance. Algorithms developed to predict the effect of missense changes on protein structure and function (SIFT, PolyPhen-2, Align-GVGD) all suggest that this variant is likely to be disruptive, but these predictions have not been confirmed by published functional studies and their clinical significance is uncertain. This variant has not been reported in the literature in individuals with a MSH6-related disease. This variant is not present in population databases (ExAC no frequency). This sequence change replaces alanine with valine at codon 1050 of the MSH6 protein (p.Ala1050Val). The alanine residue is highly conserved and there is a small physicochemical difference between alanine and valine.

Ambry Genetics
Classification: Uncertain significance for Hereditary cancer-predisposing syndrome. Last evaluated: 2020-02-06. Review status: criteria provided, single submitter. Criteria: Ambry Variant Classification Scheme 2023. Collection method: clinical testing. Allele origin: germline.
Comment: The p.A1050V variant (also known as c.3149C>T), located in coding exon 4 of the MSH6 gene, results from a C to T substitution at nucleotide position 3149. The alanine at codon 1050 is replaced by valine, an amino acid with similar properties. This amino acid position is highly conserved in available vertebrate species. In addition, this alteration is predicted to be deleterious by in silico analysis. Since supporting evidence is limited at this time, the clinical significance of this alteration remains unclear.